The following is an entry in ClinVar:

ClinVar aggregate classification (germline): Uncertain significance. Review status: criteria provided, multiple submitters, no conflicts (2 of 4 stars). 2 submissions from 2 submitters: Uncertain significance (2). Last evaluated 2022-01-11.

Conditions:
D-2-hydroxyglutaric aciduria 1 (D2HGA1). Identifiers: Orphanet 79315, MedGen C3152055, MONDO:0024554, OMIM 600721.

Allele frequency attached by ClinVar (database versions not stated): gnomAD exomes below 0.00001 and 0.00003; gnomAD 0.00001; TOPMed 0.00001.
gnomAD v4.1: 41 of 1,597,362 alleles (0.0026%); highest among the groups gnomAD compares: Non-Finnish European, 0.0035%; no homozygotes.

Submissions (2):

Labcorp Genetics (formerly Invitae), Labcorp
Classification: Uncertain significance for D-2-hydroxyglutaric aciduria 1. Last evaluated: 2022-01-11. Review status: criteria provided, single submitter. Criteria: Invitae Variant Classification Sherloc (09022015). Collection method: clinical testing. Allele origin: germline.
Comment: This sequence change replaces asparagine, which is neutral and polar, with serine, which is neutral and polar, at codon 512 of the D2HGDH protein (p.Asn512Ser). In summary, the available evidence is currently insufficient to determine the role of this variant in disease. Therefore, it has been classified as a Variant of Uncertain Significance. Algorithms developed to predict the effect of missense changes on protein structure and function are either unavailable or do not agree on the potential impact of this missense change (SIFT: "Deleterious"; PolyPhen-2: "Probably Damaging"; Align-GVGD: "Class C0"). ClinVar contains an entry for this variant (Variation ID: 210817). This variant has not been reported in the literature in individuals affected with D2HGDH-related conditions. The frequency data for this variant in the population databases is considered unreliable, as metrics indicate poor data quality at this position in the gnomAD database.

Genetic Services Laboratory, University of Chicago
Classification: Uncertain significance. Last evaluated: 2015-03-11. Review status: criteria provided, single submitter. Criteria: ACMG Guidelines, 2015. Collection method: clinical testing. Allele origin: germline.

NM_152783.5(D2HGDH):c.1535A>G (p.Asn512Ser)

Gene: D2HGDH (D-2-hydroxyglutarate dehydrogenase; plus strand). Cytogenetic location: 2q37.3.
Variant type: single nucleotide variant.
Coding change: c.1535A>G on transcript NM_152783.5 (MANE Select); coding-DNA position 1535, A replaced by G.
Protein change: p.Asn512Ser; replaces asparagine 512 with serine.
Molecular consequence: missense variant. On other transcripts: non-coding transcript variant (1).
Genome position (GRCh38, 1-based): chr2:241,767,938, A>G. VCF-style: chr2-241767938-A-G. GRCh37 (hg19) VCF-style: chr2-242707353-A-G.
Other names: c.1133A>G, p.Asn378Ser (NM_001287249.2); c.974A>G, p.Asn325Ser (NM_001352824.2); short protein forms N512S, N325S, N378S.
Identifiers: ClinVar variation 210817 (VCV000210817.11), dbSNP rs797045508, ClinGen allele CA209668.
Genomic context (GRCh38, chr2:241,767,938, plus strand): 5'-CGGGGGCCCTGCAGCTCATGCAGCAGCTCAAGGCCCTGCTGGACCCCAAGGGCATCCTCA[A>G]CCCCTACAAGACGCTGCCCAGCCAGGCCTGACGGCCACTCCTGCTGCTGCCAAGGCCCAC-3'
Protein context (NP_689996.4, residues 502-521): KALLDPKGIL[Asn512Ser]PYKTLPSQA